The following is an entry in ClinVar:

NM_000186.4(CFH):c.136A>G (p.Thr46Ala)

Gene: CFH (complement factor H; plus strand). Cytogenetic location: 1q31.3.
Variant type: single nucleotide variant.
Coding change: c.136A>G on transcript NM_000186.4 (MANE Select); coding-DNA position 136, A replaced by G.
Protein change: p.Thr46Ala; replaces threonine 46 with alanine.
Molecular consequence: missense variant.
Genome position (GRCh38, 1-based): chr1:196,673,055, A>G. VCF-style: chr1-196673055-A-G. GRCh37 (hg19) VCF-style: chr1-196642185-A-G.
Other names: c.136A>G (NM_000186.3); c.136A>G, p.Thr46Ala (NM_001014975.3); short protein forms T46A.
Identifiers: ClinVar variation 1469866 (VCV001469866.10), dbSNP rs778461886, ClinGen allele CA1304955.

ClinVar aggregate classification (germline): Uncertain significance. Review status: criteria provided, multiple submitters, no conflicts (2 of 4 stars). 3 submissions from 3 submitters: Uncertain significance (3). Last evaluated 2025-10-02.

Conditions:
CFH-related disorder. Also called: CFH-related condition; CFH-related disorders.
Age related macular degeneration 4. Identifiers: MedGen C1853147, MONDO:0012540, OMIM 610698.

Allele frequency attached by ClinVar (database versions not stated): ExAC 0.00001; gnomAD 0.00001; gnomAD exomes 0.00002 and below 0.00001; TOPMed 0.00002.

Submissions (3):

Genomenon, Inc
Classification: Uncertain significance for Age related macular degeneration 4. Last evaluated: 2025-10-02. Review status: criteria provided, single submitter. Criteria: Genomenon Sequence Variant Interpretation Standards - Updated. Collection method: curation. Allele origin: germline. Affected: yes.
Comment: CFH p.Thr46Ala (c.136A>G) is a missense variant that changes the amino acid at residue 46 from Threonine to Alanine. This variant has been observed in at least one proband affected with age-related macular degeneration (PMID:29686068;26501415). It is absent or not present at a significant frequency in gnomAD. In conclusion, we classify CFH p.Thr46Ala (c.136A>G) as a variant of uncertain significance.

PreventionGenetics, part of Exact Sciences
Classification: Uncertain significance for CFH-related condition. Last evaluated: 2025-03-10. Review status: criteria provided, single submitter. Criteria: ACMG Guidelines, 2015. Collection method: clinical testing. Allele origin: germline.
Comment: The CFH c.136A>G variant is predicted to result in the amino acid substitution p.Thr46Ala. This variant has been reported in study of individuals with age-related macular degeneration (Supplemental Table 2, Triebwasser et al. 2015. PubMed ID: 26501415). This variant is reported in 0.00088% of alleles in individuals of European (Non-Finnish) descent in gnomAD. At this time, the clinical significance of this variant is uncertain due to the absence of conclusive functional and genetic evidence.

Labcorp Genetics (formerly Invitae), Labcorp
Classification: Uncertain significance. Last evaluated: 2023-10-23. Review status: criteria provided, single submitter. Criteria: Invitae Variant Classification Sherloc (09022015). Collection method: clinical testing. Allele origin: germline.
Comment: This sequence change replaces threonine, which is neutral and polar, with alanine, which is neutral and non-polar, at codon 46 of the CFH protein (p.Thr46Ala). This variant is present in population databases (rs778461886, gnomAD 0.002%). This missense change has been observed in individual(s) with advanced age-related macular degeneration (PMID: 26501415). ClinVar contains an entry for this variant (Variation ID: 1469866). An algorithm developed to predict the effect of missense changes on protein structure and function (PolyPhen-2) suggests that this variant is likely to be disruptive. In summary, the available evidence is currently insufficient to determine the role of this variant in disease. Therefore, it has been classified as a Variant of Uncertain Significance.

Literature cited by the submitters: PubMed 29686068 (cited by Genomenon, Inc); PubMed 26501415 (cited by Genomenon, Inc and Labcorp Genetics (formerly Invitae), Labcorp).